The following is an entry in ClinVar:

ClinVar aggregate classification (germline): Pathogenic (1 of 4 stars; one submission).

Submission:

Labcorp Genetics (formerly Invitae), Labcorp
Classification: Pathogenic. Last evaluated: 2024-02-11. Review status: criteria provided, single submitter. Criteria: Invitae Variant Classification Sherloc (09022015). Collection method: clinical testing. Allele origin: germline.
Comment: This sequence change creates a premature translational stop signal (p.Leu699Profs*60) in the ITGB4 gene. It is expected to result in an absent or disrupted protein product. Loss-of-function variants in ITGB4 are known to be pathogenic (PMID: 11328943, 16473856). This variant is not present in population databases (gnomAD no frequency). This variant has not been reported in the literature in individuals affected with ITGB4-related conditions. For these reasons, this variant has been classified as Pathogenic.

Literature cited by the submitters: PubMed 11328943; PubMed 16473856.

NM_000213.5(ITGB4):c.2093dup (p.Leu699fs)

Gene: ITGB4 (integrin subunit beta 4; plus strand). Cytogenetic location: 17q25.1.
Variant type: Duplication.
Coding change: c.2093dup on transcript NM_000213.5 (MANE Select); coding-DNA position 2093, one base duplicated (T; older notation c.2093dupT).
Protein change: p.Leu699fs; shifts the reading frame from leucine 699.
Molecular consequence: frameshift variant.
Genome position (GRCh38, 1-based): chr17:75,737,424, T duplicated. VCF-style (leftmost placement, unchanged base first): chr17-75737423-G-GT. GRCh37 (hg19) VCF-style: chr17-73733504-G-GT.
Other names: c.2093dup, p.Leu699Profs (NM_001005619.2); c.2093dup, p.Leu699fs (NM_001005731.3, NM_001321123.2); short protein forms L699fs.
Identifiers: ClinVar variation 3640123 (VCV003640123.2).